The following is an entry in ClinVar:

ClinVar aggregate classification (germline): Uncertain significance (1 of 4 stars; one submission).

Conditions:
Hereditary nonpolyposis colorectal neoplasms. Identifiers: MedGen C0009405, MeSH D003123.

Submission:

Labcorp Genetics (formerly Invitae), Labcorp
Classification: Uncertain significance for Hereditary nonpolyposis colorectal neoplasms. Last evaluated: 2019-10-12. Review status: criteria provided, single submitter. Criteria: Invitae Variant Classification Sherloc (09022015). Collection method: clinical testing. Allele origin: germline.
Comment: Experimental studies and prediction algorithms are not available or were not evaluated, and the functional significance of this variant is currently unknown. This variant has not been reported in the literature in individuals with MSH6-related conditions. This variant is not present in population databases (ExAC no frequency). This variant, c.3788_3796del, results in the deletion of 3 amino acid(s) of the MSH6 protein (p.Arg1263_Gly1265del), but otherwise preserves the integrity of the reading frame. In summary, the available evidence is currently insufficient to determine the role of this variant in disease. Therefore, it has been classified as a Variant of Uncertain Significance.

NM_000179.3(MSH6):c.3788_3796del (p.Arg1263_Gly1265del)

Gene: MSH6 (mutS homolog 6; plus strand). Cytogenetic location: 2p16.3.
Variant type: Deletion.
Coding change: c.3788_3796del on transcript NM_000179.3 (MANE Select); coding-DNA positions 3788 to 3796, 9 bases deleted (GCCTAGGAC; older notation c.3788_3796delGCCTAGGAC).
Protein change: p.Arg1263_Gly1265del.
Molecular consequence: inframe deletion.
Genome position (GRCh38, 1-based): chr2:47,806,345-47,806,353, GCCTAGGAC deleted; deleting any 9 consecutive bases within chr2:47,806,344-47,806,353 gives the same sequence; the c. name uses the placement nearest the transcript's 3' end. VCF-style (leftmost placement, unchanged base first): chr2-47806343-GCGCCTAGGA-G. GRCh37 (hg19) VCF-style: chr2-48033482-GCGCCTAGGA-G.
Other names: c.3398_3406del, p.Arg1133_Gly1135del (NM_001281492.2); c.2882_2890del, p.Arg961_Gly963del (NM_001281493.2, NM_001281494.2).
Identifiers: ClinVar variation 937266 (VCV000937266.10), dbSNP rs1670065671, ClinGen allele CA1139656978.
Genomic context (GRCh38, chr2:47,806,343, plus strand): 5'-TACATTATTTTCAACTCACTACCATTCATTAGTAGAAGATTATTCTCAAAATGTTGCTGT[GCGCCTAGGA>G]CATATGGTATGTGCAAATTGTTTTTTTCCACAAATTCGGTTTTTTGAGAGGGCACTTCTC-3'